The following is an entry in ClinVar:

ClinVar aggregate classification (germline): Uncertain significance (1 of 4 stars; one submission).

Allele frequency attached by ClinVar (database versions not stated): gnomAD exomes 0.00001; ExAC 0.00002; gnomAD 0.00002; TOPMed 0.00005.
gnomAD v4.1: 7 of 1,614,036 alleles (0.00043%); highest among the groups gnomAD compares: African/African-American, 0.0027%; no homozygotes.

Submission:

Labcorp Genetics (formerly Invitae), Labcorp
Classification: Uncertain significance. Last evaluated: 2023-12-31. Review status: criteria provided, single submitter. Criteria: Invitae Variant Classification Sherloc (09022015). Collection method: clinical testing. Allele origin: germline.
Comment: This sequence change replaces glutamic acid, which is acidic and polar, with lysine, which is basic and polar, at codon 465 of the CAPN5 protein (p.Glu465Lys). This variant is present in population databases (rs782813388, gnomAD 0.003%). This variant has not been reported in the literature in individuals affected with CAPN5-related conditions. ClinVar contains an entry for this variant (Variation ID: 1014899). Advanced modeling of protein sequence and biophysical properties (such as structural, functional, and spatial information, amino acid conservation, physicochemical variation, residue mobility, and thermodynamic stability) performed at Invitae indicates that this missense variant is not expected to disrupt CAPN5 protein function with a negative predictive value of 80%. In summary, the available evidence is currently insufficient to determine the role of this variant in disease. Therefore, it has been classified as a Variant of Uncertain Significance.

NM_004055.5(CAPN5):c.1393G>A (p.Glu465Lys)

Gene: CAPN5 (calpain 5; plus strand). Cytogenetic location: 11q13.5.
Variant type: single nucleotide variant.
Coding change: c.1393G>A on transcript NM_004055.5 (MANE Select); coding-DNA position 1393, G replaced by A.
Protein change: p.Glu465Lys; replaces glutamic acid 465 with lysine.
Molecular consequence: missense variant.
Genome position (GRCh38, 1-based): chr11:77,120,815, G>A. VCF-style: chr11-77120815-G-A. GRCh37 (hg19) VCF-style: chr11-76831861-G-A.
Other names: short protein forms E465K.
Identifiers: ClinVar variation 1014899 (VCV001014899.10), dbSNP rs782813388, ClinGen allele CA6196801.